The following is an entry in ClinVar:

NM_014491.4(FOXP2):c.1334A>T (p.Gln445Leu)

Gene: FOXP2 (forkhead box P2; plus strand). Cytogenetic location: 7q31.1.
Variant type: single nucleotide variant.
Coding change: c.1334A>T on transcript NM_014491.4 (MANE Select); coding-DNA position 1334, A replaced by T.
Protein change: p.Gln445Leu; replaces glutamine 445 with leucine.
Molecular consequence: missense variant. On other transcripts: non-coding transcript variant (1).
Genome position (GRCh38, 1-based): chr7:114,658,133, A>T. VCF-style: chr7-114658133-A-T. GRCh37 (hg19) VCF-style: chr7-114298188-A-T.
Other names: c.1409A>T, p.Gln470Leu (NM_148898.4); c.1385A>T, p.Gln462Leu (NM_148900.4); c.1331A>T, p.Gln444Leu (NM_001172766.3); short protein forms Q444L, Q445L, Q462L, Q470L.
Identifiers: ClinVar variation 2575706 (VCV002575706.1), dbSNP rs372477540, ClinGen allele CA368965019.

ClinVar aggregate classification (germline): Uncertain significance (1 of 4 stars; one submission).

gnomAD v4.1: 4 of 1,613,968 alleles (0.00025%); highest among the groups gnomAD compares: Non-Finnish European, 0.00034%; no homozygotes.

Submission:

GeneDx
Classification: Uncertain significance. Last evaluated: 2023-08-14. Review status: criteria provided, single submitter. Criteria: GeneDx Variant Classification Process June 2021. Collection method: clinical testing. Allele origin: germline. Affected: yes.
Comment: Not observed at significant frequency in large population cohorts (gnomAD); In silico analysis supports that this missense variant has a deleterious effect on protein structure/function; Has not been previously published as pathogenic or benign to our knowledge